The following is an entry in ClinVar:

NM_001113378.2(FANCI):c.1951A>G (p.Ile651Val)

Gene: FANCI (FA complementation group I; plus strand). Cytogenetic location: 15q26.1.
Variant type: single nucleotide variant.
Coding change: c.1951A>G on transcript NM_001113378.2 (MANE Select); coding-DNA position 1951, A replaced by G.
Protein change: p.Ile651Val; replaces isoleucine 651 with valine.
Molecular consequence: missense variant.
Genome position (GRCh38, 1-based): chr15:89,291,673, A>G. VCF-style: chr15-89291673-A-G. GRCh37 (hg19) VCF-style: chr15-89834904-A-G.
Other names: c.1672A>G, p.Ile558Val (NM_001376910.1); c.1951A>G, p.Ile651Val (NM_001376911.1, NM_018193.3); short protein forms I558V, I651V.
Identifiers: ClinVar variation 1440598 (VCV001440598.6), dbSNP rs746651145, ClinGen allele CA7723225.

ClinVar aggregate classification (germline): Uncertain significance. Review status: criteria provided, multiple submitters, no conflicts (2 of 4 stars). 2 submissions from 2 submitters: Uncertain significance (2). Last evaluated 2022-07-18.

Conditions:
Fanconi anemia complementation group I (FANCI). Also called: FANCI-Related Fanconi Anemia. Identifiers: Orphanet 84, MedGen C1836861, MONDO:0012186, OMIM 609053.
Fanconi anemia (FA). Also called: Fanconi's anemia. Identifiers: Orphanet 84, MedGen C0015625, MeSH D005199, MONDO:0019391.

Allele frequency attached by ClinVar (database versions not stated): ExAC 0.00001.
gnomAD v4.1: 7 of 1,613,744 alleles (0.00043%); highest among the groups gnomAD compares: African/African-American, 0.0093%; no homozygotes.

Submissions (2):

Labcorp Genetics (formerly Invitae), Labcorp
Classification: Uncertain significance for Fanconi anemia. Last evaluated: 2022-07-18. Review status: criteria provided, single submitter. Criteria: Invitae Variant Classification Sherloc (09022015). Collection method: clinical testing. Allele origin: germline.
Comment: This sequence change replaces isoleucine, which is neutral and non-polar, with valine, which is neutral and non-polar, at codon 651 of the FANCI protein (p.Ile651Val). This variant is present in population databases (rs746651145, gnomAD 0.02%). This variant has not been reported in the literature in individuals affected with FANCI-related conditions. ClinVar contains an entry for this variant (Variation ID: 1440598). Algorithms developed to predict the effect of missense changes on protein structure and function output the following: SIFT: "Tolerated"; PolyPhen-2: "Benign"; Align-GVGD: "Class C0". The valine amino acid residue is found in multiple mammalian species, which suggests that this missense change does not adversely affect protein function. In summary, the available evidence is currently insufficient to determine the role of this variant in disease. Therefore, it has been classified as a Variant of Uncertain Significance.

Fulgent Genetics
Classification: Uncertain significance for Fanconi anemia complementation group I. Last evaluated: 2022-05-26. Review status: criteria provided, single submitter. Criteria: ACMG Guidelines, 2015. Collection method: clinical testing. Allele origin: unknown.